The following is an entry in ClinVar:

ClinVar aggregate classification (germline): Uncertain significance (1 of 4 stars; one submission).

Submission:

Labcorp Genetics (formerly Invitae), Labcorp
Classification: Uncertain significance. Last evaluated: 2023-02-21. Review status: criteria provided, single submitter. Criteria: Invitae Variant Classification Sherloc (09022015). Collection method: clinical testing. Allele origin: unknown.
Comment: This variant results in a copy number gain of the genomic region encompassing exon(s) 2-5 of the ZMYND11 gene. This region includes the initiator codon of the gene. This copy number gain extends beyond the assayed region for this gene and therefore may encompass additional genes. As the precise location of this event is unknown, it may be in tandem or it may be located elsewhere in the genome. This variant has not been reported in the literature in individuals affected with ZMYND11-related conditions. In summary, the available evidence is currently insufficient to determine the role of this variant in disease. Therefore, it has been classified as a Variant of Uncertain Significance.

NC_000010.10:g.(?_225953)_(282875_?)dup

Gene: ZMYND11 (zinc finger MYND-type containing 11; plus strand). Cytogenetic location: 10p15.3.
Variant type: Duplication.
Identifiers: ClinVar variation 3244987 (VCV003244987.1).